The following is an entry in ClinVar:

NM_000209.4(PDX1):c.820G>T (p.Val274Phe)

Gene: PDX1 (pancreatic and duodenal homeobox 1; plus strand). Cytogenetic location: 13q12.2.
Variant type: single nucleotide variant.
Coding change: c.820G>T on transcript NM_000209.4 (MANE Select); coding-DNA position 820, G replaced by T.
Protein change: p.Val274Phe; replaces valine 274 with phenylalanine.
Molecular consequence: missense variant.
Genome position (GRCh38, 1-based): chr13:27,924,669, G>T. VCF-style: chr13-27924669-G-T. GRCh37 (hg19) VCF-style: chr13-28498806-G-T.
Other names: short protein forms V274F.
Identifiers: ClinVar variation 449080 (VCV000449080.10), dbSNP rs930365498, ClinGen allele CA247265650.

ClinVar aggregate classification (germline): Conflicting classifications of pathogenicity. Review status: criteria provided, conflicting classifications (1 of 4 stars). 6 submissions from 6 submitters: Uncertain significance (5); Likely benign (1). Last evaluated 2025-12-16.

Conditions:
Maturity-onset diabetes of the young type 4 (MODY4). Also called: Maturity-onset diabetes of the young, type IV; MODY, type IV. Identifiers: Orphanet 552, MedGen C1833382, MONDO:0011667, OMIM 606392.
Pancreatic agenesis 1 (PAGEN1). Also called: PANCREATIC HYPOPLASIA, CONGENITAL. Identifiers: Orphanet 2805, MedGen C3891828, MONDO:0024547, OMIM 260370.
Type 2 diabetes mellitus. Also called: Type II diabetes mellitus. Identifiers: MedGen C0011860, MeSH D003924, MONDO:0005148, OMIM 125853, HP:0005978.

Allele frequency attached by ClinVar (database versions not stated): gnomAD 0.00003; TOPMed 0.00004; gnomAD exomes 0.00023.
gnomAD v4.1: 33 of 1,471,184 alleles (0.0022%); highest among the groups gnomAD compares: Admixed American, 0.065%; no homozygotes.

Submissions (6):

Labcorp Genetics (formerly Invitae), Labcorp
Classification: Likely benign. Last evaluated: 2025-12-16. Review status: criteria provided, single submitter. Criteria: Invitae Variant Classification Sherloc (09022015). Collection method: clinical testing. Allele origin: germline.

Women's Health and Genetics/Laboratory Corporation of America, LabCorp
Classification: Uncertain significance. Last evaluated: 2025-09-30. Review status: criteria provided, single submitter. Criteria: LabCorp Variant Classification Summary - May 2015. Collection method: clinical testing. Allele origin: germline.
Comment: Variant summary: PDX1 c.820G>T (p.Val274Phe) results in a non-conservative amino acid change in the encoded protein sequence. Algorithms developed to predict the effect of missense changes on protein structure and function are either unavailable or do not agree on the potential impact of this missense change. The variant allele was found at a frequency of 0.00023 in 83252 control chromosomes. This frequency is not significantly higher than estimated for disease-causing variants in PDX1, allowing no conclusion about variant significance. To our knowledge, no occurrence of c.820G>T in individuals affected with PDX1-related conditions and no experimental evidence demonstrating its impact on protein function have been reported. ClinVar contains an entry for this variant (Variation ID: 449080). Based on the evidence outlined above, the variant was classified as uncertain significance.

Fulgent Genetics
Classification: Uncertain significance for Type 2 diabetes mellitus; Pancreatic agenesis 1; Maturity-onset diabetes of the young type 4. Last evaluated: 2022-01-04. Review status: criteria provided, single submitter. Criteria: ACMG Guidelines, 2015. Collection method: clinical testing. Allele origin: unknown.

Genetic Services Laboratory, University of Chicago
Classification: Uncertain significance. Last evaluated: 2019-10-25. Review status: criteria provided, single submitter. Criteria: ACMG Guidelines, 2015. Collection method: clinical testing. Allele origin: germline. Affected: no.

Athena Diagnostics
Classification: Uncertain significance. Last evaluated: 2019-07-30. Review status: criteria provided, single submitter. Criteria: Athena Diagnostics Criteria. Collection method: clinical testing. Allele origin: germline.

GeneDx
Classification: Uncertain significance. Last evaluated: 2017-10-30. Review status: criteria provided, single submitter. Criteria: GeneDx Variant Classification (06012015). Collection method: clinical testing. Allele origin: germline. Affected: yes.
Comment: The V274F variant has not been published as a pathogenic variant, nor has it been reported as a benign variant to our knowledge. The variant is observed in 15/16078 (0.09%) alleles from individuals of Latino background in large population cohorts (Lek et al., 2016). V274F is a semi-conservative amino acid substitution, which may impact secondary protein structure as these residues differ in some properties. However, this substitution occurs at a position that is not conserved, and in silico analysis predicts this variant likely does not alter the protein structure/function. In summary, based on the currently available information, it is unclear whether this variant is a pathogenic variant or a rare benign variant.